The following is an entry in ClinVar:

ClinVar aggregate classification (germline): Benign. Review status: criteria provided, multiple submitters, no conflicts (2 of 4 stars). 5 submissions from 5 submitters: Benign (5). Last evaluated 2026-02-03.

Conditions:
Retinitis pigmentosa (RP). Identifiers: Orphanet 791, MedGen C0035334, MeSH D012174, MONDO:0019200, OMIM 268000. Inheritance: Autosomal dominant, autosomal recessive and X linked inheritance.
Retinitis pigmentosa 38 (RP38). Also called: ROD-CONE DYSTROPHY, CHILDHOOD-ONSET. Identifiers: Orphanet 791, MedGen C3151228, MONDO:0013469, OMIM 613862.

Allele frequency attached by ClinVar (database versions not stated): 1000 Genomes Project 0.19069; 1000 Genomes Project 30x 0.19144; gnomAD 0.22086; TOPMed 0.22379; gnomAD exomes 0.23671 and 0.27982; ExAC 0.23955; ESP Exome Variant Server 0.24865.
gnomAD v4.1: 439,404 of 1,599,854 alleles (27%); highest among the groups gnomAD compares: Middle Eastern, 31%; 62,793 homozygotes.

Submissions (5):

Labcorp Genetics (formerly Invitae), Labcorp
Classification: Benign. Last evaluated: 2026-02-03. Review status: criteria provided, single submitter. Criteria: Invitae Variant Classification Sherloc (09022015). Collection method: clinical testing. Allele origin: germline.

Blueprint Genetics
Classification: Benign. Last evaluated: 2024-11-26. Review status: criteria provided, single submitter. Criteria: ACMG Guidelines, 2015. Collection method: clinical testing. Allele origin: germline.

Genome-Nilou Lab
Classification: Benign for Retinitis pigmentosa 38. Last evaluated: 2021-09-05. Review status: criteria provided, single submitter. Criteria: ACMG Guidelines, 2015. Collection method: clinical testing. Allele origin: germline. Affected: no.

Illumina Laboratory Services, Illumina
Classification: Benign for Retinitis pigmentosa. Last evaluated: 2018-01-13. Review status: criteria provided, single submitter. Criteria: ICSL Variant Classification Criteria 13 December 2019. Collection method: clinical testing. Allele origin: germline.
Comment: This variant was observed in the ICSL laboratory as part of a predisposition screen in an ostensibly healthy population. It had not been previously curated by ICSL or reported in the Human Gene Mutation Database (HGMD: prior to June 1st, 2018), and was therefore a candidate for classification through an automated scoring system. Utilizing variant allele frequency, disease prevalence and penetrance estimates, and inheritance mode, an automated score was calculated to assess if this variant is too frequent to cause the disease. Based on the score and internal cut-off values, a variant classified as benign is not then subjected to further curation. The score for this variant resulted in a classification of benign for this disease.

Breakthrough Genomics
Classification: Benign. Review status: criteria provided, single submitter. Criteria: ACMG Guidelines, 2015. Collection method: not provided. Allele origin: germline. Inheritance: Autosomal recessive inheritance. Affected: yes.

NM_006343.3(MERTK):c.583+10C>T

Gene: MERTK (MER proto-oncogene, tyrosine kinase; plus strand). Cytogenetic location: 2q13.
Variant type: single nucleotide variant.
Coding change: c.583+10C>T on transcript NM_006343.3 (MANE Select); 10 bases into the intron after coding-DNA position 583, C replaced by T.
Molecular consequence: intron variant.
Genome position (GRCh38, 1-based): chr2:111,945,070, C>T. VCF-style: chr2-111945070-C-T. GRCh37 (hg19) VCF-style: chr2-112702647-C-T.
Identifiers: ClinVar variation 330743 (VCV000330743.17), dbSNP rs11683694, ClinGen allele CA1831094.